The following is an entry in ClinVar:

NM_006267.5(RANBP2):c.775C>G (p.Leu259Val)

Gene: RANBP2 (RAN binding protein 2; plus strand). Cytogenetic location: 2q13.
Variant type: single nucleotide variant.
Coding change: c.775C>G on transcript NM_006267.5 (MANE Select); coding-DNA position 775, C replaced by G.
Protein change: p.Leu259Val; replaces leucine 259 with valine.
Molecular consequence: missense variant.
Genome position (GRCh38, 1-based): chr2:108,736,242, C>G. VCF-style: chr2-108736242-C-G. GRCh37 (hg19) VCF-style: chr2-109352698-C-G.
Other names: short protein forms L259V.
Identifiers: ClinVar variation 1028496 (VCV001028496.1), dbSNP rs1695576898, ClinGen allele CA348042107.

ClinVar aggregate classification (germline): Uncertain significance (1 of 4 stars; one submission).

Conditions:
Familial acute necrotizing encephalopathy (IIAE3). Also called: ENCEPHALOPATHY, ACUTE, INFECTION-INDUCED, SUSCEPTIBILITY TO, 3; Susceptibility to Acute Necrotizing Encephalopathy 1. Identifiers: Orphanet 88619, MedGen C2675556, MONDO:0011953, OMIM 608033.

Submission:

Baylor Genetics
Classification: Uncertain significance for Familial acute necrotizing encephalopathy. Last evaluated: 2019-05-30. Review status: criteria provided, single submitter. Criteria: ACMG Guidelines, 2015. Collection method: clinical testing. Allele origin: unknown. Affected: yes.
Comment: This variant was determined to be of uncertain significance according to ACMG Guidelines, 2015 [PMID:25741868].